The following is an entry in ClinVar:

ClinVar aggregate classification (germline): Pathogenic. Review status: reviewed by expert panel (3 of 4 stars). 3 submissions from 3 submitters: Pathogenic (1). 2 of the submissions do not count toward it. Last evaluated 2020-09-08.

Conditions:
ITGA2B-related disorder. Also called: ITGA2B-related condition; ITGA2B-related disorders.
Glanzmann thrombasthenia 1 (GT1). Also called: GP IIb-IIIa COMPLEX DEFICIENCY; GLYCOPROTEIN COMPLEX IIb-IIIa DEFICIENCY; PLATELET FIBRINOGEN RECEPTOR DEFICIENCY; BLEEDING DISORDER, PLATELET-TYPE, 2. Identifiers: MedGen CN300358, MONDO:0031332, OMIM 273800.
Glanzmann thrombasthenia. Also called: THROMBASTHENIA OF GLANZMANN AND NAEGELI; Thrombasthenia; PLATELET GLYCOPROTEIN IIb-IIIa DEFICIENCY; Glanzmann's thrombasthenia. Identifiers: Orphanet 849, MedGen C0040015, MONDO:0100326.

Allele frequency attached by ClinVar (database versions not stated): gnomAD exomes 0.00001; TOPMed 0.00001.

Submissions (3):

ClinGen Platelet Disorders Variant Curation Expert Panel, ClinGen
Classification: Pathogenic for Glanzmann thrombasthenia. Last evaluated: 2020-09-08. Review status: reviewed by expert panel. Criteria: ClinGen Platelet ACMG Specifications v2. Collection method: curation. Allele origin: germline. Inheritance: Autosomal recessive inheritance.
Comment: The NM_000419.4:c.1440-13_1440-1del variant that deletes 13 bp in intron 14 including the splice acceptor is predicted to use an alternative crytpic splice acceptor site, resulting in a 2-bp deletion of the mRNA inducing a frameshift responsible for a premature stop codon after 105 amino acids. The resulting transcript is predicted to undergo NMD (PMID: 25728920). It is absent in population databases. At least 10 individuals have been reported with the variant in the heterozygous or compound heterozygous state (PMID: 25728920, 22102273, 22394243, 20020534) and the variant was found to segregate in at least two additional family members (PMID: 22394243). In summary, based on the evidence available at this time, the c.1440-13_1440-1del variant is classified "Pathogenic". GT-specific criteria applied: PVS1, PM2_Supporting, PM3_Strong, PP1_Moderate, PP4_Strong.

ISTH-SSC Genomics in Thrombosis and Hemostasis, KU Leuven, Center for Molecular and Vascular Biology
Classification: Uncertain significance for Glanzmann thrombasthenia 1. Review status: criteria provided, single submitter. Criteria: ACMG Guidelines, 2015. Collection method: clinical testing. Allele origin: unknown. Affected: yes. Observed: 1 compound heterozygote. Not counted in ClinVar's aggregate classification.
Comment: GoldVariant submitter: Kathleen Freson Center for Molecular and Vascular Biology, Leuven, Belgium

PreventionGenetics, part of Exact Sciences
Classification: Pathogenic for ITGA2B-related condition. Last evaluated: 2024-09-05. Review status: no assertion criteria provided. Collection method: clinical testing. Allele origin: germline. Not counted in ClinVar's aggregate classification.
Comment: The ITGA2B c.1440-13_1440-1del13 variant is predicted to result in a deletion affecting a canonical splice site. This variant was reported in the heterozygous or compound heterozygous state in several individuals with Glanzmann thrombasthenia (see for example the 13bp deletion involving IVS14 in Table 1, aka c.1442-13_1442-1del in Jallu et al 2010. PubMed ID: 20020534), and has been categorized as pathogenic by the ClinGen Platelet Disorders Variant Curation Expert Panel. This variant has not been reported in a large population database, indicating this variant is rare. This variant is interpreted as pathogenic.

Literature cited by the submitters: PubMed 34355501 (cited by ISTH-SSC Genomics in Thrombosis and Hemostasis, KU Leuven, Center for Molecular and Vascular Biology).

NM_000419.5(ITGA2B):c.1440-13_1440-1del

Gene: ITGA2B (integrin subunit alpha 2b; minus strand). Cytogenetic location: 17q21.31.
Variant type: Deletion.
Coding change: c.1440-13_1440-1del on transcript NM_000419.5 (MANE Select); 13 bases into the intron before coding-DNA position 1440 through the canonical splice acceptor site of the intron before coding-DNA position 1440, 13 bases deleted (CCTATCCCATCAG).
Molecular consequence: splice acceptor variant.
Genome position (GRCh38, 1-based): chr17:44,380,491-44,380,503, CTGATGGGATAGG deleted on the plus strand (CCTATCCCATCAG on the coding strand, the reverse complement: ITGA2B is on the minus strand). VCF-style (leftmost placement, unchanged base first): chr17-44380490-TCTGATGGGATAGG-T. GRCh37 (hg19) VCF-style: chr17-42457858-TCTGATGGGATAGG-T.
Other names: c.1440-13_1440-1delCCTATCCCATCAG (NM_000419.4).
Identifiers: ClinVar variation 953002 (VCV000953002.5), dbSNP rs2048585829, ClinGen allele CA913184940.
Genomic context (GRCh38, chr17:44,380,490, plus strand): 5'-AGCAGGATTCAGTGAATCTTGCACCAGTAGCTGGACAGAGGCCTTCACCACTGGCTGAGC[TCTGATGGGATAGG>T]GTGATGGGGTAGGCTTGCCATTGTGGCTCCTCCTGGCCTGGCCTCCTCTTGATGGCACAG-3'